The following is an entry in ClinVar:

ClinVar aggregate classification (germline): Uncertain significance (1 of 4 stars; one submission).

Allele frequency attached by ClinVar (database versions not stated): TOPMed below 0.00001; ExAC 0.00001; gnomAD 0.00001; gnomAD exomes 0.00001.
gnomAD v4.1: 16 of 1,613,954 alleles (0.00099%); highest among the groups gnomAD compares: East Asian, 0.0022%; no homozygotes.

Submission:

Labcorp Genetics (formerly Invitae), Labcorp
Classification: Uncertain significance. Last evaluated: 2022-08-04. Review status: criteria provided, single submitter. Criteria: Invitae Variant Classification Sherloc (09022015). Collection method: clinical testing. Allele origin: germline.
Comment: In summary, the available evidence is currently insufficient to determine the role of this variant in disease. Therefore, it has been classified as a Variant of Uncertain Significance. Algorithms developed to predict the effect of sequence changes on RNA splicing suggest that this variant may disrupt the consensus splice site. This variant has not been reported in the literature in individuals affected with VPS13D-related conditions. This variant is present in population databases (rs753416147, gnomAD 0.007%). This sequence change affects codon 1933 of the VPS13D mRNA. It is a 'silent' change, meaning that it does not change the encoded amino acid sequence of the VPS13D protein.

NM_015378.4(VPS13D):c.5799C>T (p.Tyr1933=)

Gene: VPS13D (vacuolar protein sorting 13 homolog D; plus strand). Cytogenetic location: 1p36.22.
Variant type: single nucleotide variant.
Coding change: c.5799C>T on transcript NM_015378.4 (MANE Select); coding-DNA position 5799, C replaced by T.
Protein change: p.Tyr1933=; no amino-acid change (tyrosine 1933 retained).
Molecular consequence: synonymous variant.
Genome position (GRCh38, 1-based): chr1:12,291,071, C>T. VCF-style: chr1-12291071-C-T. GRCh37 (hg19) VCF-style: chr1-12351128-C-T.
Other names: c.5799C>T, p.Tyr1933= (NM_018156.4).
Identifiers: ClinVar variation 1914802 (VCV001914802.5), dbSNP rs753416147, ClinGen allele CA602422.